The following is an entry in ClinVar:

ClinVar aggregate classification (germline): Uncertain significance. Review status: criteria provided, multiple submitters, no conflicts (2 of 4 stars). 2 submissions from 2 submitters: Uncertain significance (2). Last evaluated 2025-04-06.

Conditions:
Neurofibromatosis, type 1 (NF1). Also called: VON RECKLINGHAUSEN DISEASE; NEUROFIBROMATOSIS, TYPE I, SOMATIC; Peripheral type neurofibromatosis; Neurofibromatosis, type I. Identifiers: Orphanet 636, MedGen C0027831, MONDO:0018975, OMIM 162200. Disease mechanism: loss of function.
Cardiovascular phenotype. Identifiers: MedGen CN230736.
Hereditary cancer-predisposing syndrome. Also called: Hereditary Cancer Syndrome; Hereditary neoplastic syndrome; Tumor predisposition; Neoplastic Syndromes, Hereditary. Identifiers: Orphanet 140162, MedGen C0027672, MeSH D009386, MONDO:0015356.

Submissions (2):

Ambry Genetics
Classification: Uncertain significance for Cardiovascular phenotype; Hereditary cancer-predisposing syndrome. Last evaluated: 2025-04-06. Review status: criteria provided, single submitter. Criteria: Ambry Variant Classification Scheme 2023. Collection method: clinical testing. Allele origin: germline.
Comment: The p.G309D variant (also known as c.926G>A), located in coding exon 9 of the NF1 gene, results from a G to A substitution at nucleotide position 926. The glycine at codon 309 is replaced by aspartic acid, an amino acid with similar properties. This amino acid position is conserved. In addition, this alteration is predicted to be deleterious by in silico analysis. Based on the available evidence, the clinical significance of this variant remains unclear.

Labcorp Genetics (formerly Invitae), Labcorp
Classification: Uncertain significance for Neurofibromatosis, type 1. Last evaluated: 2022-08-01. Review status: criteria provided, single submitter. Criteria: Invitae Variant Classification Sherloc (09022015). Collection method: clinical testing. Allele origin: germline.
Comment: In summary, the available evidence is currently insufficient to determine the role of this variant in disease. Therefore, it has been classified as a Variant of Uncertain Significance. Advanced modeling of protein sequence and biophysical properties (such as structural, functional, and spatial information, amino acid conservation, physicochemical variation, residue mobility, and thermodynamic stability) performed at Invitae indicates that this missense variant is expected to disrupt NF1 protein function. ClinVar contains an entry for this variant (Variation ID: 457878). This variant has not been reported in the literature in individuals affected with NF1-related conditions. This variant is not present in population databases (gnomAD no frequency). This sequence change replaces glycine, which is neutral and non-polar, with aspartic acid, which is acidic and polar, at codon 309 of the NF1 protein (p.Gly309Asp).

NM_001042492.3(NF1):c.926G>A (p.Gly309Asp)

Gene: NF1 (neurofibromin 1; plus strand). Cytogenetic location: 17q11.2.
Variant type: single nucleotide variant.
Coding change: c.926G>A on transcript NM_001042492.3 (MANE Select); coding-DNA position 926, G replaced by A.
Protein change: p.Gly309Asp; replaces glycine 309 with aspartic acid.
Molecular consequence: missense variant.
Genome position (GRCh38, 1-based): chr17:31,200,459, G>A. VCF-style: chr17-31200459-G-A. GRCh37 (hg19) VCF-style: chr17-29527477-G-A.
Other names: c.926G>A, p.Gly309Asp (NM_000267.4, NM_001128147.3); short protein forms G309D.
Identifiers: ClinVar variation 457878 (VCV000457878.6), dbSNP rs1555610862, ClinGen allele CA398995648.